The following is an entry in ClinVar:

ClinVar aggregate classification (germline): Benign (1 of 4 stars; one submission).

Conditions:
SEPN1-related disorder. Also called: SEPN1-Related Disorders. Identifiers: MedGen CN239420.

Allele frequency attached by ClinVar (database versions not stated): gnomAD exomes 0.00437; TOPMed 0.00609; 1000 Genomes Project 30x 0.00734; 1000 Genomes Project 0.00799; gnomAD 0.00962 and 0.00998.
gnomAD v4.1: 1,478 of 158,214 alleles (0.93%); highest among the groups gnomAD compares: African/African-American, 0.86%; 19 homozygotes.

Submissions (2):

Illumina Laboratory Services, Illumina
Classification: Benign for SEPN1-Related Disorders. Last evaluated: 2017-04-27. Review status: criteria provided, single submitter. Criteria: ICSL Variant Classification Criteria 13 December 2019. Collection method: clinical testing. Allele origin: germline.
Comment: This variant was observed as part of a predisposition screen in an ostensibly healthy population. A literature search was performed for the gene, cDNA change, and amino acid change (where applicable). No publications were found based on this search. Allele frequency data from public databases was too high to be consistent with this variant causing disease. Therefore, this variant is classified as benign.

Dr. Peter K. Rogan Lab, Western University
No classification provided (evidence only). Condition: Acute myeloid leukemia. Review status: no classification provided. Collection method: in vitro. Allele origin: not applicable. Functional consequence: retained intron. Not counted in ClinVar's aggregate classification.

NM_206926.2(SELENON):c.*501G>A

Gene: SELENON (selenoprotein N; plus strand). Cytogenetic location: 1p36.11.
Variant type: single nucleotide variant.
Coding change: c.*501G>A on transcript NM_206926.2 (MANE Select); 501 bases downstream of the stop codon, G replaced by A.
Molecular consequence: 3 prime UTR variant.
Genome position (GRCh38, 1-based): chr1:25,816,219, G>A. VCF-style: chr1-25816219-G-A. GRCh37 (hg19) VCF-style: chr1-26142710-G-A.
Other names: NC_000001.10:g.26142710G>A; c.*501G>A (NM_020451.3).
Identifiers: ClinVar variation 875409 (VCV000875409.5), dbSNP rs112884056, ClinGen allele CA19699275.